The following is an entry in ClinVar:

NM_001130823.3(DNMT1):c.2261T>G (p.Val754Gly)

Gene: DNMT1 (DNA methyltransferase 1; minus strand). Cytogenetic location: 19p13.2.
Variant type: single nucleotide variant.
Coding change: c.2261T>G on transcript NM_001130823.3 (MANE Select); coding-DNA position 2261, T replaced by G.
Protein change: p.Val754Gly; replaces valine 754 with glycine.
Molecular consequence: missense variant.
Genome position (GRCh38, 1-based): chr19:10,151,402, A>C on the plus strand (T>G on the coding strand, the complement: DNMT1 is on the minus strand). VCF-style: chr19-10151402-A-C. GRCh37 (hg19) VCF-style: chr19-10262078-A-C.
Other names: c.2213T>G, p.Val738Gly (NM_001318730.2, NM_001379.4); c.1898T>G, p.Val633Gly (NM_001318731.2); short protein forms V633G, V738G, V754G.
Identifiers: ClinVar variation 1024982 (VCV001024982.9), dbSNP rs2038339264, ClinGen allele CA403930441.
Genomic context (GRCh38, chr19:10,151,402, plus strand): 5'-GCAACCTGCTTATTGGGAACATGGCAGTGAGCTGACCAAGGGGCTCCAAGGGTTACCTTG[A>C]CGGCTTCTCCGACCCAAGAGATGCGATTCTTGTTCTGTTTCTTCTTCTTCCCCTGGTGCA-3'
Protein context (NP_001124295.1, residues 744-764): KNRISWVGEA[Val754Gly]KTDGKKSYYK

ClinVar aggregate classification (germline): Uncertain significance (1 of 4 stars; one submission).

Conditions:
Hereditary sensory neuropathy-deafness-dementia syndrome. Also called: HSN IE; Hereditary sensory neuropathy type IE; NEUROPATHY, HEREDITARY SENSORY, WITH HEARING LOSS AND DEMENTIA; Hereditary Sensory and Autonomic Neuropathy Type 1E (HSAN1E). Identifiers: Orphanet 456318, MedGen C3279885, MONDO:0013584, OMIM 614116.

Allele frequency attached by ClinVar (database versions not stated): gnomAD exomes below 0.00001.
gnomAD v4.1: 2 of 1,613,388 alleles (0.00012%); highest among the groups gnomAD compares: Non-Finnish European, 0.000085%; no homozygotes.

Submission:

Labcorp Genetics (formerly Invitae), Labcorp
Classification: Uncertain significance for Hereditary sensory neuropathy-deafness-dementia syndrome. Last evaluated: 2020-01-26. Review status: criteria provided, single submitter. Criteria: Invitae Variant Classification Sherloc (09022015). Collection method: clinical testing. Allele origin: germline.
Comment: This sequence change replaces valine with glycine at codon 754 of the DNMT1 protein (p.Val754Gly). The valine residue is moderately conserved and there is a moderate physicochemical difference between valine and glycine. In summary, the available evidence is currently insufficient to determine the role of this variant in disease. Therefore, it has been classified as a Variant of Uncertain Significance. Algorithms developed to predict the effect of missense changes on protein structure and function are either unavailable or do not agree on the potential impact of this missense change (SIFT: "Deleterious"; PolyPhen-2: "Benign"; Align-GVGD: "Class C0"). This variant has not been reported in the literature in individuals with DNMT1-related conditions. This variant is not present in population databases (ExAC no frequency).